The following is an entry in ClinVar:

NM_144596.4(TTC8):c.341A>G (p.Gln114Arg)

Gene: TTC8 (tetratricopeptide repeat domain 8; plus strand). Cytogenetic location: 14q31.3.
Variant type: single nucleotide variant.
Coding change: c.341A>G on transcript NM_144596.4 (MANE Select); coding-DNA position 341, A replaced by G.
Protein change: p.Gln114Arg; replaces glutamine 114 with arginine.
Molecular consequence: missense variant. On other transcripts: 5 prime UTR variant (2), non-coding transcript variant (1).
Genome position (GRCh38, 1-based): chr14:88,841,048, A>G. VCF-style: chr14-88841048-A-G. GRCh37 (hg19) VCF-style: chr14-89307392-A-G.
Other names: c.311A>G, p.Gln104Arg (NM_001288781.1, NM_001366535.2, NM_001366536.2 and 2 more transcripts); c.-252A>G (NM_001288782.1); c.-347A>G (NM_001288783.1); c.311A>G (NM_198309.2); short protein forms Q104R, Q114R.
Identifiers: ClinVar variation 2077330 (VCV002077330.7), dbSNP rs1353025594, ClinGen allele CA390574080.

ClinVar aggregate classification (germline): Uncertain significance. Review status: criteria provided, multiple submitters, no conflicts (2 of 4 stars). 4 submissions from 4 submitters: Uncertain significance (4). Last evaluated 2025-11-26.

Conditions:
Inborn genetic diseases. Identifiers: MedGen C0950123, MeSH D030342.
Bardet-Biedl syndrome (BBS). Identifiers: Orphanet 110, MedGen C0752166, MONDO:0015229.
Retinitis pigmentosa 51 (RP51). Identifiers: Orphanet 791, MedGen C3150715, MONDO:0013274, OMIM 613464.
Bardet-Biedl syndrome 8 (BBS8). Identifiers: Orphanet 110, MedGen C1859566, MONDO:0014436, OMIM 615985.

Allele frequency attached by ClinVar (database versions not stated): TOPMed below 0.00001; gnomAD exomes 0.00001.
gnomAD v4.1: 3 of 1,614,076 alleles (0.00019%); highest among the groups gnomAD compares: South Asian, 0.0011%; no homozygotes.

Submissions (4):

Ambry Genetics
Classification: Uncertain significance for Inborn genetic diseases. Last evaluated: 2025-11-26. Review status: criteria provided, single submitter. Criteria: Ambry Variant Classification Scheme 2023. Collection method: clinical testing. Allele origin: germline.

Fulgent Genetics
Classification: Uncertain significance for Retinitis pigmentosa 51; Bardet-Biedl syndrome 8. Last evaluated: 2024-06-11. Review status: criteria provided, single submitter. Criteria: ACMG Guidelines, 2015. Collection method: clinical testing. Allele origin: germline.

Labcorp Genetics (formerly Invitae), Labcorp
Classification: Uncertain significance for Bardet-Biedl syndrome. Last evaluated: 2022-01-21. Review status: criteria provided, single submitter. Criteria: Invitae Variant Classification Sherloc (09022015). Collection method: clinical testing. Allele origin: germline.
Comment: In summary, the available evidence is currently insufficient to determine the role of this variant in disease. Therefore, it has been classified as a Variant of Uncertain Significance. Algorithms developed to predict the effect of missense changes on protein structure and function (SIFT, PolyPhen-2, Align-GVGD) all suggest that this variant is likely to be tolerated. This variant has not been reported in the literature in individuals affected with TTC8-related conditions. This variant is not present in population databases (gnomAD no frequency). This sequence change replaces glutamine, which is neutral and polar, with arginine, which is basic and polar, at codon 104 of the TTC8 protein (p.Gln104Arg).

Blueprint Genetics
Classification: Uncertain significance. Last evaluated: 2020-05-19. Review status: criteria provided, single submitter. Criteria: ACMG Guidelines, 2015. Collection method: clinical testing. Allele origin: germline.